The following is an entry in ClinVar:

ClinVar aggregate classification (germline): Uncertain significance. Review status: criteria provided, multiple submitters, no conflicts (2 of 4 stars). 2 submissions from 2 submitters: Uncertain significance (2). Last evaluated 2023-05-15.

Conditions:
Inborn genetic diseases. Identifiers: MedGen C0950123, MeSH D030342.

Allele frequency attached by ClinVar (database versions not stated): gnomAD 0.00001.
gnomAD v4.1: 2 of 1,613,878 alleles (0.00012%); highest among the groups gnomAD compares: Non-Finnish European, 0.00017%; no homozygotes.

Submissions (2):

Ambry Genetics
Classification: Uncertain significance for Inborn genetic diseases. Last evaluated: 2023-05-15. Review status: criteria provided, single submitter. Criteria: Ambry Variant Classification Scheme 2023. Collection method: clinical testing. Allele origin: germline.

CeGaT Center for Human Genetics Tuebingen
Classification: Uncertain significance. Last evaluated: 2022-07-01. Review status: criteria provided, single submitter. Criteria: CeGaT Center For Human Genetics Tuebingen Variant Classification Criteria Version 2. Collection method: clinical testing. Allele origin: germline. Affected: yes. Observed: 1 variant allele.
Comment: ANK3: PM2

NM_020987.5(ANK3):c.6775G>A (p.Gly2259Ser)

Genes: ANK3 (ankyrin 3; minus strand), LOC130003862 (ATAC-STARR-seq lymphoblastoid active region 3393; plus strand). Cytogenetic location: 10q21.2.
Variant type: single nucleotide variant.
Coding change: c.6775G>A on transcript NM_020987.5 (MANE Select); coding-DNA position 6775, G replaced by A.
Protein change: p.Gly2259Ser; replaces glycine 2259 with serine.
Molecular consequence: missense variant. On other transcripts: intron variant (4).
Genome position (GRCh38, 1-based): chr10:60,074,106, C>T on the plus strand (G>A on the coding strand, the complement: ANK3 is on the minus strand). VCF-style: chr10-60074106-C-T. GRCh37 (hg19) VCF-style: chr10-61833864-C-T.
Other names: c.4388-6097G>A (NM_001204403.2); c.4409-6097G>A (NM_001204404.2); c.4406-6097G>A (NM_001320874.2); c.1808-6097G>A (NM_001149.4); short protein forms G2259S.
Identifiers: ClinVar variation 2546254 (VCV002546254.26), dbSNP rs995746990, ClinGen allele CA377011940.